The following is an entry in ClinVar:

ClinVar aggregate classification (germline): Benign. Review status: criteria provided, multiple submitters, no conflicts (2 of 4 stars). 3 submissions from 3 submitters: Benign (3). Last evaluated 2024-07-15.

Allele frequency attached by ClinVar (database versions not stated): 1000 Genomes Project 30x 0.27811; 1000 Genomes Project 0.27975; ESP Exome Variant Server 0.28792; gnomAD 0.29793 and 0.30253; TOPMed 0.29832; gnomAD exomes 0.34708 and 0.35620; ExAC 0.36303.
gnomAD v4.1: 517,467 of 1,476,462 alleles (35%); highest among the groups gnomAD compares: South Asian, 42%; 93,660 homozygotes.

Submissions (3):

Unidad de Genómica Garrahan, Hospital de Pediatría Garrahan
Classification: Benign. Last evaluated: 2024-07-15. Review status: criteria provided, single submitter. Criteria: ACMG Guidelines, 2015. Collection method: clinical testing. Allele origin: germline. Affected: no. Observed: 54 variant alleles.
Comment: This variant is classified as Benign based on local population frequency. This variant was detected in 58% of patients studied in a panel designed for Epileptic and Developmental Encephalopathy and Progressive Myoclonus Epilepsy. Number of patients: 54. Only high quality variants are reported.

GeneDx
Classification: Benign. Last evaluated: 2018-07-27. Review status: criteria provided, single submitter. Criteria: GeneDx Variant Classification Process June 2021. Collection method: clinical testing. Allele origin: germline. Affected: yes.

Breakthrough Genomics
Classification: Benign. Review status: criteria provided, single submitter. Criteria: ACMG Guidelines, 2015. Collection method: not provided. Allele origin: germline. Inheritance: Autosomal recessive inheritance. Affected: yes.

NM_003560.4(PLA2G6):c.797+43C>T

Gene: PLA2G6 (phospholipase A2 group VI; minus strand). Cytogenetic location: 22q13.1.
Variant type: single nucleotide variant.
Coding change: c.797+43C>T on transcript NM_003560.4 (MANE Select); 43 bases into the intron after coding-DNA position 797, C replaced by T.
Molecular consequence: intron variant.
Genome position (GRCh38, 1-based): chr22:38,139,939, G>A on the plus strand (C>T on the coding strand, the complement: PLA2G6 is on the minus strand). VCF-style: chr22-38139939-G-A. GRCh37 (hg19) VCF-style: chr22-38535946-G-A.
Other names: c.119+3166C>T (NM_001349868.2); c.797+43C>T (NM_001349866.2, NM_001199562.3, NM_001349865.2 and 2 more transcripts); c.263+43C>T (NM_001349869.2, NM_001349867.2).
Identifiers: ClinVar variation 1279569 (VCV001279569.4), dbSNP rs12329956, ClinGen allele CA10231148.
Genomic context (GRCh38, chr22:38,139,939, plus strand): 5'-ATGCTAAGATCTATGGTGGATACTGCTTGCCTCAGGCACGGGACAGGTGACAGGAGAGCT[G>A]GAGCCCAGCAGGCCAGCAGATGGGGAGGGGAGGAGGTCTTACCCCTTCTGAGAGAACTTC-3'